The following is an entry in ClinVar:

ClinVar aggregate classification (germline): Benign/Likely benign. Review status: criteria provided, multiple submitters, no conflicts (2 of 4 stars). 3 submissions from 3 submitters: Benign (1); Likely benign (1). 1 of the submissions does not count toward it. Last evaluated 2026-01-05.

Conditions:
Primary ciliary dyskinesia 28. Also called: CILIARY DYSKINESIA, PRIMARY, 28, WITH OR WITHOUT SITUS INVERSUS. Identifiers: Orphanet 244, MedGen C3809706, MONDO:0014216, OMIM 615505.
SPAG1-related disorder. Also called: SPAG1-related condition.

Allele frequency attached by ClinVar (database versions not stated): ESP Exome Variant Server 0.00008; TOPMed 0.00012; gnomAD 0.00014 and 0.00019; gnomAD exomes 0.00022; ExAC 0.00029; 1000 Genomes Project 30x 0.00047; 1000 Genomes Project 0.00060.
gnomAD v4.1: 284 of 1,499,358 alleles (0.019%); highest among the groups gnomAD compares: East Asian, 0.56%; 1 homozygote.

Submissions (3):

Labcorp Genetics (formerly Invitae), Labcorp
Classification: Benign for Primary ciliary dyskinesia 28. Last evaluated: 2026-01-05. Review status: criteria provided, single submitter. Criteria: Invitae Variant Classification Sherloc (09022015). Collection method: clinical testing. Allele origin: germline.

Blueprint Genetics
Classification: Likely benign. Last evaluated: 2024-02-13. Review status: criteria provided, single submitter. Criteria: ACMG Guidelines, 2015. Collection method: clinical testing. Allele origin: germline.

PreventionGenetics, part of Exact Sciences
Classification: Likely benign for SPAG1-related condition. Last evaluated: 2019-03-08. Review status: no assertion criteria provided. Collection method: clinical testing. Allele origin: germline. Not counted in ClinVar's aggregate classification.
Comment: This variant is classified as likely benign based on ACMG/AMP sequence variant interpretation guidelines (Richards et al. 2015 PMID: 25741868, with internal and published modifications).

NM_003114.5(SPAG1):c.474C>T (p.Tyr158=)

Gene: SPAG1 (sperm associated antigen 1; plus strand). Cytogenetic location: 8q22.2.
Variant type: single nucleotide variant.
Coding change: c.474C>T on transcript NM_003114.5 (MANE Select); coding-DNA position 474, C replaced by T.
Protein change: p.Tyr158=; no amino-acid change (tyrosine 158 retained).
Molecular consequence: synonymous variant.
Genome position (GRCh38, 1-based): chr8:100,183,422, C>T. VCF-style: chr8-100183422-C-T. GRCh37 (hg19) VCF-style: chr8-101195650-C-T.
Other names: c.474C>T, p.Tyr158= (NM_001374321.1, NM_172218.3).
Identifiers: ClinVar variation 416526 (VCV000416526.14), dbSNP rs74597335, ClinGen allele CA4827265.